The following is an entry in ClinVar:

NM_000257.4(MYH7):c.2002C>G (p.His668Asp)

Gene: MYH7 (myosin heavy chain 7; minus strand). Cytogenetic location: 14q11.2.
Variant type: single nucleotide variant.
Coding change: c.2002C>G on transcript NM_000257.4 (MANE Select); coding-DNA position 2002, C replaced by G.
Protein change: p.His668Asp; replaces histidine 668 with aspartic acid.
Molecular consequence: missense variant.
Genome position (GRCh38, 1-based): chr14:23,426,819, G>C on the plus strand (C>G on the coding strand, the complement: MYH7 is on the minus strand). VCF-style: chr14-23426819-G-C. GRCh37 (hg19) VCF-style: chr14-23896028-G-C.
Other names: c.2002C>G, p.His668Asp (NM_001407004.1); short protein forms H668D.
Identifiers: ClinVar variation 3896925 (VCV003896925.1).

ClinVar aggregate classification (germline): Uncertain significance (1 of 4 stars; one submission).

Conditions:
MYH7-related skeletal myopathy. Also called: MYOPATHY, LATE DISTAL HEREDITARY; Laing early-onset distal myopathy; Myopathy, distal, 1; MYOPATHY, DISTAL, EARLY-ONSET, AUTOSOMAL DOMINANT; Laing distal myopathy. Identifiers: Orphanet 59135, MedGen C4552004, MONDO:0008050, OMIM 160500.
Myopathy, myosin storage, autosomal recessive (CMYO7B). Also called: CONGENITAL MYOPATHY 7B, MYOSIN STORAGE, AUTOSOMAL RECESSIVE. Identifiers: Orphanet 636970, MedGen C1850709, MONDO:0009708, OMIM 255160.
Myosin storage myopathy (CMYO7A). Also called: MYOPATHY, HYALINE BODY, AUTOSOMAL DOMINANT; Scapuloperoneal myopathy, MYH7-related; MYOPATHY WITH LYSIS OF TYPE I MYOFIBRILS; MYH7-related late-onset scapuloperoneal muscular dystrophy; Congenital myopathy 7A, myosin storage, autosomal dominant; SCAPULOPERONEAL MUSCULAR DYSTROPHY. Identifiers: Orphanet 437572, Orphanet 636965, MedGen C1842160, MONDO:0008409, OMIM 608358.

Submission:

Kariminejad - Najmabadi Pathology & Genetics Center
Classification: Uncertain significance for MYH7-related skeletal myopathy; Myosin storage myopathy; Myopathy, myosin storage, autosomal recessive. Last evaluated: 2022-08-20. Review status: criteria provided, single submitter. Criteria: ACMG Guidelines, 2015. Collection method: clinical testing. Allele origin: germline. Inheritance: Autosomal dominant inheritance. Affected: yes.
Comment: PM2-PP3_strong